The following is an entry in ClinVar:

ClinVar aggregate classification (germline): Likely benign (0 of 4 stars; one submission).

Conditions:
LZTFL1-related disorder. Also called: LZTFL1-related condition.

Submission:

PreventionGenetics, part of Exact Sciences
Classification: Likely benign for LZTFL1-related condition. Last evaluated: 2022-01-31. Review status: no assertion criteria provided. Collection method: clinical testing. Allele origin: germline.
Comment: This variant is classified as likely benign based on ACMG/AMP sequence variant interpretation guidelines (Richards et al. 2015 PMID: 25741868, with internal and published modifications).

NM_001276379.2(LZTFL1):c.6G>A (p.Arg2=)

Gene: LZTFL1 (leucine zipper transcription factor like 1; minus strand). Cytogenetic location: 3p21.31.
Variant type: single nucleotide variant.
Coding change: c.6G>A on transcript NM_001276379.2; coding-DNA position 6, G replaced by A.
Protein change: p.Arg2=; no amino-acid change (arginine 2 retained).
Molecular consequence: synonymous variant. On other transcripts: 5 prime UTR variant (4), non-coding transcript variant (1).
Genome position (GRCh38, 1-based): chr3:45,913,141, C>T on the plus strand (G>A on the coding strand, the complement: LZTFL1 is on the minus strand). VCF-style: chr3-45913141-C-T. GRCh37 (hg19) VCF-style: chr3-45954633-C-T.
Other names: c.-159G>A (NM_001276378.2, NM_001405927.1); c.6G>A, p.Arg2= (NM_001405920.1, NM_001405921.1, NM_001405925.1); c.-198G>A (NM_001405923.1, NM_001405926.1).
Identifiers: ClinVar variation 3355458 (VCV003355458.1).
Genomic context (GRCh38, chr3:45,913,141, plus strand): 5'-CAGTAGCAGTAATATGTTCTGTAAATGGTTCAGACTTACCATCTTCCCTGGGTCTTGGTT[C>T]CTCATCTGTAAAAGTGGGCTGACTTACAGCAAGAGCCTAGAAAATTATACAATTACACAA-3'